The following is an entry in ClinVar:

NM_003190.5(TAPBP):c.868+1G>A

Gene: TAPBP (TAP binding protein; minus strand). Cytogenetic location: 6p21.32.
Variant type: single nucleotide variant.
Coding change: c.868+1G>A on transcript NM_003190.5 (MANE Select); the canonical splice donor site of the intron after coding-DNA position 868, G replaced by A.
Molecular consequence: splice donor variant.
Genome position (GRCh38, 1-based): chr6:33,304,988, C>T on the plus strand (G>A on the coding strand, the complement: TAPBP is on the minus strand). VCF-style: chr6-33304988-C-T. GRCh37 (hg19) VCF-style: chr6-33272765-C-T.
Other names: c.607+1G>A (NM_172209.3); c.868+1G>A (NM_001410875.1, NM_172208.3).
Identifiers: ClinVar variation 1035291 (VCV001035291.7), dbSNP rs1350625021, ClinGen allele CA363690176.

ClinVar aggregate classification (germline): Uncertain significance (1 of 4 stars; one submission).

Conditions:
MHC class I deficiency. Identifiers: Orphanet 34592, MedGen C6024714, MONDO:0011476.

Submission:

Labcorp Genetics (formerly Invitae), Labcorp
Classification: Uncertain significance for MHC class I deficiency 1. Last evaluated: 2020-05-13. Review status: criteria provided, single submitter. Criteria: Invitae Variant Classification Sherloc (09022015). Collection method: clinical testing. Allele origin: germline.
Comment: In summary, the available evidence is currently insufficient to determine the role of this variant in disease. Therefore, it has been classified as a Variant of Uncertain Significance. The current clinical and genetic evidence is not sufficient to establish whether loss-of-function variants in TAPBP cause disease. Algorithms developed to predict the effect of sequence changes on RNA splicing suggest that this variant may disrupt the consensus splice site, but this prediction has not been confirmed by published transcriptional studies. This variant has not been reported in the literature in individuals with TAPBP-related conditions. This variant is not present in population databases (ExAC no frequency). This sequence change affects a donor splice site in intron 4 of the TAPBP gene. It is expected to disrupt RNA splicing and likely results in an absent or disrupted protein product.